The following is an entry in ClinVar:

ClinVar aggregate classification (germline): Uncertain significance (1 of 4 stars; one submission).

Conditions:
Muscular dystrophy-dystroglycanopathy type B6 (MDDGB6). Also called: MUSCULAR DYSTROPHY-DYSTROGLYCANOPATHY (CONGENITAL WITH IMPAIRED INTELLECTUAL DEVELOPMENT), TYPE B, 6; MUSCULAR DYSTROPHY, CONGENITAL, LARGE-RELATED; MUSCULAR DYSTROPHY, CONGENITAL, TYPE 1D. Identifiers: MedGen C1837229, MONDO:0012138, OMIM 608840.

Allele frequency attached by ClinVar (database versions not stated): gnomAD 0.00001; TOPMed 0.00001.
gnomAD v4.1: 11 of 1,614,006 alleles (0.00068%); highest among the groups gnomAD compares: Non-Finnish European, 0.00093%; no homozygotes.

Submission:

Labcorp Genetics (formerly Invitae), Labcorp
Classification: Uncertain significance for Muscular dystrophy-dystroglycanopathy type B6. Last evaluated: 2023-09-09. Review status: criteria provided, single submitter. Criteria: Invitae Variant Classification Sherloc (09022015). Collection method: clinical testing. Allele origin: germline.
Comment: This sequence change replaces arginine, which is basic and polar, with glutamine, which is neutral and polar, at codon 603 of the LARGE1 protein (p.Arg603Gln). This variant is not present in population databases (gnomAD no frequency). This variant has not been reported in the literature in individuals affected with LARGE1-related conditions. Advanced modeling of protein sequence and biophysical properties (such as structural, functional, and spatial information, amino acid conservation, physicochemical variation, residue mobility, and thermodynamic stability) performed at Invitae indicates that this missense variant is not expected to disrupt LARGE1 protein function. In summary, the available evidence is currently insufficient to determine the role of this variant in disease. Therefore, it has been classified as a Variant of Uncertain Significance.

NM_133642.5(LARGE1):c.1808G>A (p.Arg603Gln)

Gene: LARGE1 (LARGE xylosyl- and glucuronyltransferase 1; minus strand). Cytogenetic location: 22q12.3.
Variant type: single nucleotide variant.
Coding change: c.1808G>A on transcript NM_133642.5 (MANE Select); coding-DNA position 1808, G replaced by A.
Protein change: p.Arg603Gln; replaces arginine 603 with glutamine.
Molecular consequence: missense variant. On other transcripts: intron variant (3).
Genome position (GRCh38, 1-based): chr22:33,283,271, C>T on the plus strand (G>A on the coding strand, the complement: LARGE1 is on the minus strand). VCF-style: chr22-33283271-C-T. GRCh37 (hg19) VCF-style: chr22-33679257-C-T.
Other names: c.1808G>A, p.Arg603Gln (NM_001362949.2, NM_001362951.2, NM_001362953.2 and 4 more transcripts); c.1652G>A, p.Arg551Gln (NM_001378629.1); c.1205G>A, p.Arg402Gln (NM_001378630.1); c.1731-6016G>A (NM_001378627.1, NM_001378628.1); c.972-6016G>A (NM_001378631.1); short protein forms R402Q, R551Q, R603Q.
Identifiers: ClinVar variation 2881642 (VCV002881642.1), dbSNP rs1426827508, ClinGen allele CA411543389.